The following is an entry in ClinVar:

NM_005245.4(FAT1):c.5402_5403del (p.Lys1801fs)

Gene: FAT1 (FAT atypical cadherin 1; minus strand). Cytogenetic location: 4q35.2.
Variant type: Deletion.
Coding change: c.5402_5403del on transcript NM_005245.4 (MANE Select); coding-DNA positions 5402 to 5403, 2 bases deleted (AA; older notation c.5402_5403delAA).
Protein change: p.Lys1801fs; shifts the reading frame from lysine 1801.
Molecular consequence: frameshift variant.
Genome position (GRCh38, 1-based): chr4:186,621,183-186,621,184, TT deleted on the plus strand (AA on the coding strand, the reverse complement: FAT1 is on the minus strand); deleting any 2 consecutive bases within chr4:186,621,183-186,621,185 gives the same sequence; the c. name uses the placement nearest the transcript's 3' end. VCF-style (leftmost placement, unchanged base first): chr4-186621182-CTT-C. GRCh37 (hg19) VCF-style: chr4-187542336-CTT-C.
Other names: short protein forms K1801fs.
Identifiers: ClinVar variation 3657083 (VCV003657083.2).

ClinVar aggregate classification (germline): Pathogenic (1 of 4 stars; one submission).

Submission:

Labcorp Genetics (formerly Invitae), Labcorp
Classification: Pathogenic. Last evaluated: 2024-06-19. Review status: criteria provided, single submitter. Criteria: Invitae Variant Classification Sherloc (09022015). Collection method: clinical testing. Allele origin: germline.
Comment: This sequence change creates a premature translational stop signal (p.Lys1801Argfs*12) in the FAT1 gene. It is expected to result in an absent or disrupted protein product. Loss-of-function variants in FAT1 are known to be pathogenic (PMID: 30862798). This variant is not present in population databases (gnomAD no frequency). This variant has not been reported in the literature in individuals affected with FAT1-related conditions. For these reasons, this variant has been classified as Pathogenic.

Literature cited by the submitters: PubMed 30862798.